The following is an entry in ClinVar:

NM_183050.4(BCKDHB):c.25G>A (p.Gly9Ser)

Gene: BCKDHB (branched chain keto acid dehydrogenase E1 subunit beta; plus strand). Cytogenetic location: 6q14.1.
Variant type: single nucleotide variant.
Coding change: c.25G>A on transcript NM_183050.4 (MANE Select); coding-DNA position 25, G replaced by A.
Protein change: p.Gly9Ser; replaces glycine 9 with serine.
Molecular consequence: missense variant. On other transcripts: non-coding transcript variant (1), intron variant (1).
Genome position (GRCh38, 1-based): chr6:80,106,718, G>A. VCF-style: chr6-80106718-G-A. GRCh37 (hg19) VCF-style: chr6-80816435-G-A.
Other names: c.25G>A, p.Gly9Ser (NM_000056.5); c.-15+35G>A (NM_001318975.1); short protein forms G9S.
Identifiers: ClinVar variation 992179 (VCV000992179.12), dbSNP rs571728255, ClinGen allele CA3902478.

ClinVar aggregate classification (germline): Likely benign. Review status: criteria provided, multiple submitters, no conflicts (2 of 4 stars). 4 submissions from 4 submitters: Likely benign (2). 2 of the submissions do not count toward it. Last evaluated 2026-01-05.

Conditions:
Maple syrup urine disease type 1B (MSUD1B). Also called: MSUD type IB; MSUD type 3 (formerly); MSUD due to deficiency of e1-beta subunit of branched-chain alpha-keto acid dehydrogenase complex. Identifiers: MedGen C2930990, MONDO:0023692, OMIM 620698.
Maple syrup urine disease (MSUD). Identifiers: Orphanet 511, MedGen C0024776, MeSH D008375, MONDO:0009563. Disease mechanism: loss of function.

Allele frequency attached by ClinVar (database versions not stated): gnomAD below 0.00001 and 0.00009; TOPMed 0.00002; gnomAD exomes 0.00010; 1000 Genomes Project 30x 0.00016; 1000 Genomes Project 0.00020; ExAC 0.00114.
gnomAD v4.1: 157 of 1,552,594 alleles (0.01%); highest among the groups gnomAD compares: South Asian, 0.17%; 1 homozygote.

Submissions (4):

Labcorp Genetics (formerly Invitae), Labcorp
Classification: Likely benign for Maple syrup urine disease. Last evaluated: 2026-01-05. Review status: criteria provided, single submitter. Criteria: Invitae Variant Classification Sherloc (09022015). Collection method: clinical testing. Allele origin: germline.

Genome-Nilou Lab
Classification: Likely benign for Maple syrup urine disease type 1A. Last evaluated: 2021-11-07. Review status: criteria provided, single submitter. Criteria: ACMG Guidelines, 2015. Collection method: clinical testing. Allele origin: germline. Affected: no.

Natera, Inc.
Classification: Benign for Maple syrup urine disease type 1B. Last evaluated: 2020-04-13. Review status: no assertion criteria provided. Collection method: clinical testing. Allele origin: germline. Not counted in ClinVar's aggregate classification.

Department of Pathology and Laboratory Medicine, Sinai Health System
Classification: Uncertain significance. Review status: no assertion criteria provided. Collection method: clinical testing. Allele origin: unknown. Affected: yes. Study: The Canadian Open Genetics Repository (COGR). Not counted in ClinVar's aggregate classification.
Comment: The BCKDHB p.G9S variant was not identified in the literature nor was it identified in ClinVar. The variant was identified in dbSNP (ID: rs571728255) and in control databases in 42 of 148688 chromosomes (1 homozygous) at a frequency of 0.0002825, and was observed only in the South Asian population in 42 of 23324 chromosomes (1 homozygous) (freq: 0.001801) (Genome Aggregation Database March 6, 2019, v2.1.1). The p.G9 residue is conserved in mammals and computational analyses (MUT Assesor, SIFT, MutationTaster, Revel, FATHMM, MetaLR, DANN) provide inconsistent predictions regarding the impact to the protein; this information is not very predictive of pathogenicity. The variant occurs outside of the splicing consensus sequence and in silico or computational prediction software programs (Splice AI exome) do not predict a difference in splicing. In summary, based on the above information the clinical significance of this variant cannot be determined with certainty at this time. This variant is classified as a variant of uncertain significance.